The following is an entry in ClinVar:

ClinVar aggregate classification (germline): Uncertain significance (1 of 4 stars; one submission).

Conditions:
Werner syndrome (WRN). Identifiers: Orphanet 902, MedGen C0043119, MONDO:0010196, OMIM 277700.

Submission:

Labcorp Genetics (formerly Invitae), Labcorp
Classification: Uncertain significance for Werner syndrome. Last evaluated: 2023-07-28. Review status: criteria provided, single submitter. Criteria: Invitae Variant Classification Sherloc (09022015). Collection method: clinical testing. Allele origin: germline.
Comment: In summary, the available evidence is currently insufficient to determine the role of this variant in disease. Therefore, it has been classified as a Variant of Uncertain Significance. This variant has not been reported in the literature in individuals affected with WRN-related conditions. This variant is not present in population databases (gnomAD no frequency). This variant, c.1178_1192dup, results in the insertion of 5 amino acid(s) of the WRN protein (p.Met393_Ile397dup), but otherwise preserves the integrity of the reading frame.

NM_000553.6(WRN):c.1178_1192dup (p.Ile397_Thr398insMetSerLeuAspIle)

Gene: WRN (WRN RecQ like helicase; plus strand). Cytogenetic location: 8p12.
Variant type: Duplication.
Coding change: c.1178_1192dup on transcript NM_000553.6 (MANE Select); coding-DNA positions 1178 to 1192, 15 bases duplicated (TGTCGTTAGATATTA).
Protein change: p.Ile397_Thr398insMetSerLeuAspIle.
Molecular consequence: inframe insertion.
Genome position (GRCh38, 1-based): chr8:31,081,205-31,081,219, TGTCGTTAGATATTA duplicated; duplicating any 15 consecutive bases within chr8:31,081,204-31,081,219 gives the same sequence; the c. name uses the placement nearest the transcript's 3' end. VCF-style (leftmost placement, unchanged base first): chr8-31081203-G-GATGTCGTTAGATATT. GRCh37 (hg19) VCF-style: chr8-30938719-G-GATGTCGTTAGATATT.
Identifiers: ClinVar variation 2895199 (VCV002895199.3), dbSNP rs2535911263, ClinGen allele CA2579137532.
Genomic context (GRCh38, chr8:31,081,203, plus strand): 5'-TGGATTTGAAGATGGAGTAGAAGACAACAAATTGAAAGAGAATATGGAAAGAGCTTGTTT[G>GATGTCGTTAGATATT]ATGTCGTTAGATATTACAGAACATGAACTCCAAATTTTGGAACAGCAGTCTCAGGAAGAA-3'